The following is an entry in ClinVar:

NM_012096.3(APPL1):c.2127A>G (p.Ala709=)

Genes: APPL1 (adaptor protein, phosphotyrosine interacting with PH domain and leucine zipper 1; plus strand), ASB14 (ankyrin repeat and SOCS box containing 14; minus strand), LOC105377102 (uncharacterized LOC105377102; plus strand). Cytogenetic location: 3p14.3.
Variant type: single nucleotide variant.
Coding change: c.2127A>G on transcript NM_012096.3 (MANE Select); coding-DNA position 2127, A replaced by G.
Protein change: p.Ala709=; no amino-acid change (alanine 709 retained).
Molecular consequence: synonymous variant. On other transcripts: non-coding transcript variant (1), intron variant (2).
Genome position (GRCh38, 1-based): chr3:57,269,684, A>G. VCF-style: chr3-57269684-A-G. GRCh37 (hg19) VCF-style: chr3-57303712-A-G.
Other names: c.*23-66T>C (NM_001142733.3, NM_130387.5).
Identifiers: ClinVar variation 1422648 (VCV001422648.6), dbSNP rs1350216779, ClinGen allele CA434015721.

ClinVar aggregate classification (germline): Uncertain significance (1 of 4 stars; one submission).

Allele frequency attached by ClinVar (database versions not stated): TOPMed below 0.00001; gnomAD 0.00001.
gnomAD v4.1: 1 of 1,613,836 alleles (0.000062%); highest among the groups gnomAD compares: East Asian, 0.0022%; no homozygotes.

Submission:

Labcorp Genetics (formerly Invitae), Labcorp
Classification: Uncertain significance. Last evaluated: 2021-12-30. Review status: criteria provided, single submitter. Criteria: Invitae Variant Classification Sherloc (09022015). Collection method: clinical testing. Allele origin: germline.
Comment: In summary, the available evidence is currently insufficient to determine the role of this variant in disease. Therefore, it has been classified as a Variant of Uncertain Significance. Algorithms developed to predict the effect of sequence changes on RNA splicing suggest that this variant may create or strengthen a splice site. This variant has not been reported in the literature in individuals affected with APPL1-related conditions. This variant is not present in population databases (gnomAD no frequency). This sequence change affects codon 709 of the APPL1 mRNA. It is a 'silent' change, meaning that it does not change the encoded amino acid sequence of the APPL1 protein.